The following is an entry in ClinVar:

ClinVar aggregate classification (germline): Conflicting classifications of pathogenicity. Review status: criteria provided, conflicting classifications (1 of 4 stars). 4 submissions from 4 submitters: Uncertain significance (2); Likely benign (2). Last evaluated 2025-01-21.

Conditions:
Hereditary breast ovarian cancer syndrome. Also called: Hereditary breast and/or ovarian cancer syndrome; Hereditary breast and ovarian cancer syndrome; Hereditary breast and ovarian cancer syndrome (HBOC); Breast and ovarian cancer; BRCA1- and BRCA2-Associated Hereditary Breast and Ovarian Cancer; Hereditary breast and ovarian cancer. Identifiers: Orphanet 145, MedGen C0677776, MeSH D061325, MONDO:0003582. Disease mechanism: loss of function.
Hereditary cancer-predisposing syndrome. Also called: Hereditary neoplastic syndrome; Neoplastic Syndromes, Hereditary; Tumor predisposition; Hereditary Cancer Syndrome. Identifiers: Orphanet 140162, MedGen C0027672, MeSH D009386, MONDO:0015356.

Submissions (4):

Ambry Genetics
Classification: Likely benign for Hereditary cancer-predisposing syndrome. Last evaluated: 2025-01-21. Review status: criteria provided, single submitter. Criteria: Ambry Variant Classification Scheme 2023. Collection method: clinical testing. Allele origin: germline.

Labcorp Genetics (formerly Invitae), Labcorp
Classification: Uncertain significance for Hereditary breast ovarian cancer syndrome. Last evaluated: 2024-11-11. Review status: criteria provided, single submitter. Criteria: Invitae Variant Classification Sherloc (09022015). Collection method: clinical testing. Allele origin: germline.
Comment: This sequence change replaces serine, which is neutral and polar, with arginine, which is basic and polar, at codon 958 of the BRCA2 protein (p.Ser958Arg). This variant is not present in population databases (gnomAD no frequency). This missense change has been observed in individual(s) with breast cancer (PMID: 33067490). ClinVar contains an entry for this variant (Variation ID: 948697). Invitae Evidence Modeling of protein sequence and biophysical properties (such as structural, functional, and spatial information, amino acid conservation, physicochemical variation, residue mobility, and thermodynamic stability) indicates that this missense variant is not expected to disrupt BRCA2 protein function with a negative predictive value of 95%. In summary, the available evidence is currently insufficient to determine the role of this variant in disease. Therefore, it has been classified as a Variant of Uncertain Significance.

University of Washington Department of Laboratory Medicine, University of Washington
Classification: Likely benign for Hereditary cancer-predisposing syndrome. Last evaluated: 2023-03-23. Review status: criteria provided, single submitter. Criteria: Dines et al. (Genet Med. 2020). Collection method: curation. Allele origin: germline.
Comment: Missense variant in a coldspot region where missense variants are very unlikely to be pathogenic (PMID:31911673).

BRCA2 exon 11 coldspot. Reclassification based on statistical prior probability.

Color Diagnostics, LLC DBA Color Health
Classification: Uncertain significance for Hereditary cancer-predisposing syndrome. Last evaluated: 2021-06-29. Review status: criteria provided, single submitter. Criteria: ACMG Guidelines, 2015. Collection method: clinical testing. Allele origin: germline.
Comment: This missense variant replaces serine with arginine at codon 958 of the BRCA2 protein. Computational protein prediction suggests that this variant may not impact protein structure and function (internally defined REVEL score threshold <= 0.5, PMID: 27666373). Splice site prediction tools suggest that this variant may impact RNA splicing. To our knowledge, RNA studies have not been reported for this variant. This variant has been reported in an individual affected with breast cancer in the literature (PMID: 33067490). This variant has not been identified in the general population by the Genome Aggregation Database (gnomAD). The available evidence is insufficient to determine the role of this variant in disease conclusively. Therefore, this variant is classified as a Variant of Uncertain Significance.

Literature cited by the submitters: PubMed 33067490 (cited by Ambry Genetics and Labcorp Genetics (formerly Invitae), Labcorp).

NM_000059.4(BRCA2):c.2874T>G (p.Ser958Arg)

Gene: BRCA2 (BRCA2 DNA repair associated; plus strand). Cytogenetic location: 13q13.1.
Variant type: single nucleotide variant.
Coding change: c.2874T>G on transcript NM_000059.4 (MANE Select); coding-DNA position 2874, T replaced by G.
Protein change: p.Ser958Arg; replaces serine 958 with arginine.
Molecular consequence: missense variant.
Genome position (GRCh38, 1-based): chr13:32,337,229, T>G. VCF-style: chr13-32337229-T-G. GRCh37 (hg19) VCF-style: chr13-32911366-T-G.
Other names: short protein forms S958R.
Identifiers: ClinVar variation 948697 (VCV000948697.16), dbSNP rs1566227393, ClinGen allele CA387774044.